The following is an entry in ClinVar:

NM_153252.5(BRWD3):c.*1531C>G

Gene: BRWD3 (bromodomain and WD repeat domain containing 3; minus strand). Cytogenetic location: Xq21.1.
Variant type: single nucleotide variant.
Coding change: c.*1531C>G on transcript NM_153252.5 (MANE Select); 1531 bases downstream of the stop codon, C replaced by G.
Molecular consequence: 3 prime UTR variant.
Genome position (GRCh38, 1-based): chrX:80,675,078, G>C on the plus strand (C>G on the coding strand, the complement: BRWD3 is on the minus strand). VCF-style: chrX-80675078-G-C. GRCh37 (hg19) VCF-style: chrX-79930577-G-C.
Other names: c.*1531C>G (NM_001441339.1).
Identifiers: ClinVar variation 4851774 (VCV004851774.1).

ClinVar aggregate classification (germline): Uncertain significance (1 of 4 stars; one submission).

gnomAD v4.1: 1 of 111,744 alleles (0.00089%); highest among the groups gnomAD compares: African/African-American, 0.0032%; no homozygotes.

Submission:

Greenwood Genetic Center Diagnostic Laboratories, Greenwood Genetic Center
Classification: Uncertain significance. Last evaluated: 2025-01-28. Review status: criteria provided, single submitter. Criteria: ACMG Guidelines, 2015. Collection method: clinical testing. Allele origin: germline.
Comment: PM2